The following is an entry in ClinVar:

NM_000494.4(COL17A1):c.1910C>A (p.Pro637His)

Gene: COL17A1 (collagen type XVII alpha 1 chain; minus strand). Cytogenetic location: 10q25.1.
Variant type: single nucleotide variant.
Coding change: c.1910C>A on transcript NM_000494.4 (MANE Select); coding-DNA position 1910, C replaced by A.
Protein change: p.Pro637His; replaces proline 637 with histidine.
Molecular consequence: missense variant.
Genome position (GRCh38, 1-based): chr10:104,053,060, G>T on the plus strand (C>A on the coding strand, the complement: COL17A1 is on the minus strand). VCF-style: chr10-104053060-G-T. GRCh37 (hg19) VCF-style: chr10-105812818-G-T.
Other names: c.1910C>A, p.Pro637His (LRG_1249t1); short protein forms P637H.
Identifiers: ClinVar variation 392995 (VCV000392995.2), dbSNP rs763247251, ClinGen allele CA16605598.

ClinVar aggregate classification (germline): Uncertain significance (1 of 4 stars; one submission).

gnomAD v4.1: 1 of 1,614,144 alleles (0.000062%); highest among the groups gnomAD compares: Non-Finnish European, 0.000085%; no homozygotes.

Submission:

GeneDx
Classification: Uncertain significance. Last evaluated: 2017-01-24. Review status: criteria provided, single submitter. Criteria: GeneDx Variant Classification (06012015). Collection method: clinical testing. Allele origin: germline. Affected: yes.
Comment: The P637H variant in the COL17A1 gene has not been reported previously as a pathogenic variant, nor as a benign variant, to our knowledge. The P637H variant was not observed in approximately 6500 individuals of European and African American ancestry in the NHLBI Exome Sequencing Project, indicating it is not a common benign variant in these populations. The P637H variant is a non-conservative amino acid substitution, which is likely to impact secondary protein structure as these residues differ in polarity, charge, size and/or other properties. This substitution occurs at a position that is conserved across species. In silico analysis predicts this variant is probably damaging to the protein structure/function. We interpret P637H as a variant of uncertain significance.